The following is an entry in ClinVar:

ClinVar aggregate classification (germline): Uncertain significance. Review status: criteria provided, multiple submitters, no conflicts (2 of 4 stars). 2 submissions from 2 submitters: Uncertain significance (2). Last evaluated 2025-04-23.

Conditions:
Early-infantile DEE. Also called: Early infantile epileptic encephalopathy; Ohtahara syndrome; Early infantile epileptic encephalopathy with suppression bursts. Identifiers: Orphanet 1934, MedGen C0393706, MONDO:0800491.

Allele frequency attached by ClinVar (database versions not stated): gnomAD exomes below 0.00001; TOPMed below 0.00001; ESP Exome Variant Server 0.00008.
gnomAD v4.1: 10 of 1,608,852 alleles (0.00062%); highest among the groups gnomAD compares: Admixed American, 0.0017%; no homozygotes.

Submissions (2):

GeneDx
Classification: Uncertain significance. Last evaluated: 2025-04-23. Review status: criteria provided, single submitter. Criteria: GeneDx Variant Classification Process June 2021. Collection method: clinical testing. Allele origin: germline. Affected: yes.
Comment: In silico analysis supports that this missense variant has a deleterious effect on protein structure/function; Has not been previously published as pathogenic or benign to our knowledge

Labcorp Genetics (formerly Invitae), Labcorp
Classification: Uncertain significance for Early-infantile DEE. Last evaluated: 2024-04-12. Review status: criteria provided, single submitter. Criteria: Invitae Variant Classification Sherloc (09022015). Collection method: clinical testing. Allele origin: germline.
Comment: This sequence change replaces threonine, which is neutral and polar, with methionine, which is neutral and non-polar, at codon 109 of the SCN8A protein (p.Thr109Met). This variant is present in population databases (rs375480171, gnomAD 0.003%). This variant has not been reported in the literature in individuals affected with SCN8A-related conditions. ClinVar contains an entry for this variant (Variation ID: 1400759). Advanced modeling of protein sequence and biophysical properties (such as structural, functional, and spatial information, amino acid conservation, physicochemical variation, residue mobility, and thermodynamic stability) has been performed at Invitae for this missense variant, however the output from this modeling did not meet the statistical confidence thresholds required to predict the impact of this variant on SCN8A protein function. In summary, the available evidence is currently insufficient to determine the role of this variant in disease. Therefore, it has been classified as a Variant of Uncertain Significance.

NM_001330260.2(SCN8A):c.326C>T (p.Thr109Met)

Gene: SCN8A (sodium voltage-gated channel alpha subunit 8; plus strand). Cytogenetic location: 12q13.13.
Variant type: single nucleotide variant.
Coding change: c.326C>T on transcript NM_001330260.2 (MANE Select); coding-DNA position 326, C replaced by T.
Protein change: p.Thr109Met; replaces threonine 109 with methionine.
Molecular consequence: missense variant.
Genome position (GRCh38, 1-based): chr12:51,684,223, C>T. VCF-style: chr12-51684223-C-T. GRCh37 (hg19) VCF-style: chr12-52078007-C-T.
Other names: c.326C>T, p.Thr109Met (NM_001177984.3, NM_001369788.1, NM_014191.4); c.326C>T (NM_014191.3); short protein forms T109M.
Identifiers: ClinVar variation 1400759 (VCV001400759.9), dbSNP rs375480171, ClinGen allele CA236259312.
Genomic context (GRCh38, chr12:51,684,223, plus strand): 5'-TTTCTCCACAGACCTTTGTAGTATTAAACAGAGGGAAAACTCTCTTCAGATTTAGTGCCA[C>T]GCCTGCCTTGTACATTTTAAGTCCTTTTAACCTGATAAGAAGAATAGCTATTAAAATTTT-3'
Protein context (NP_001317189.1, residues 99-119): RGKTLFRFSA[Thr109Met]PALYILSPFN